The following is an entry in ClinVar:

NM_001048174.2(MUTYH):c.1318_1319del (p.Thr440fs)

Gene: MUTYH (mutY DNA glycosylase; minus strand). Cytogenetic location: 1p34.1.
Variant type: Deletion.
Coding change: c.1318_1319del on transcript NM_001048174.2 (MANE Select); coding-DNA positions 1318 to 1319, 2 bases deleted (AC; older notation c.1318_1319delAC).
Protein change: p.Thr440fs; shifts the reading frame from threonine 440.
Molecular consequence: frameshift variant. On other transcripts: non-coding transcript variant (2).
Genome position (GRCh38, 1-based): chr1:45,331,255-45,331,256, GT deleted on the plus strand (AC on the coding strand, the reverse complement: MUTYH is on the minus strand); deleting any 2 consecutive bases within chr1:45,331,255-45,331,257 gives the same sequence; the c. name uses the placement nearest the transcript's 3' end. VCF-style (leftmost placement, unchanged base first): chr1-45331254-GGT-G. GRCh37 (hg19) VCF-style: chr1-45796926-GGT-G.
Other names: c.1402_1403delAC (NM_001128425.1, NM_001128425.2); c.1402_1403del, p.Thr468fs (NM_001128425.2); c.1363_1364del, p.Thr455fs (NM_001293190.2); c.1351_1352del, p.Thr451fs (NM_001293191.2); c.1042_1043del, p.Thr348fs (NM_001293192.2, NM_001293196.2); c.1318_1319del, p.Thr440fs (NM_001293195.2, NM_001048171.2, NM_001048173.2); c.973_974del, p.Thr325fs (NM_001350650.2, NM_001350651.2); c.1393_1394del, p.Thr465fs (NM_012222.3); and 1 more; short protein forms T441fs, T451fs, T468fs, T325fs, T348fs, T465fs, T440fs, T455fs.
Identifiers: ClinVar variation 486917 (VCV000486917.22), dbSNP rs1553125075, ClinGen allele CA658656914.
Genomic context (GRCh38, chr1:45,331,254, plus strand): 5'-GGTGGAAACAGCTGCGGTGTGAAATTCCTCCTGCGTCAGCCAGCGAGCACCTGGTGGTAC[GGT>G]GGTCACTGGGGTCTGCCCTTCCAAGGCCAGCCCATATACTTGATATGTCAGCTTGATGTG-3'

ClinVar aggregate classification (germline): Pathogenic/Likely pathogenic. Review status: criteria provided, multiple submitters, no conflicts (2 of 4 stars). 7 submissions from 7 submitters: Pathogenic (4); Likely pathogenic (3). Last evaluated 2025-10-24.

Conditions:
Hereditary cancer-predisposing syndrome. Also called: Hereditary neoplastic syndrome; Hereditary Cancer Syndrome; Neoplastic Syndromes, Hereditary; Tumor predisposition. Identifiers: Orphanet 140162, MedGen C0027672, MeSH D009386, MONDO:0015356.
Familial adenomatous polyposis 2. Also called: MYH-associated polyposis; COLORECTAL ADENOMATOUS POLYPOSIS, AUTOSOMAL RECESSIVE; ADENOMAS, MULTIPLE COLORECTAL, AUTOSOMAL RECESSIVE; MUTYH-related attenuated familial adenomatous polyposis; Adenomas, multiple colorectal; FAP type 2. Identifiers: Orphanet 220460, Orphanet 247798, MedGen C3272841, MONDO:0012041, OMIM 608456.

Submissions (7):

Women's Health and Genetics/Laboratory Corporation of America, LabCorp
Classification: Pathogenic for Familial adenomatous polyposis 2. Last evaluated: 2025-10-24. Review status: criteria provided, single submitter. Criteria: LabCorp Variant Classification Summary - May 2015. Collection method: clinical testing. Allele origin: germline.
Comment: Variant summary: MUTYH c.1402_1403delAC (p.Thr468ArgfsX63) results in a premature termination codon, predicted to cause a truncation of the encoded protein, and at-least one downstream missense has been evaluated Likely Pathogenic at our lab (c.1477G>T p.Val493Phe). The variant was absent in 251492 control chromosomes. To our knowledge, no occurrence of c.1402_1403delAC in individuals affected with MUTYH-related conditions and no experimental evidence demonstrating its impact on protein function have been reported. ClinVar contains an entry for this variant (Variation ID: 486917). Based on the evidence outlined above, the variant was classified as pathogenic.

Labcorp Genetics (formerly Invitae), Labcorp
Classification: Likely pathogenic for Familial adenomatous polyposis 2. Last evaluated: 2025-05-23. Review status: criteria provided, single submitter. Criteria: Invitae Variant Classification Sherloc (09022015). Collection method: clinical testing. Allele origin: germline.
Comment: This sequence change creates a premature translational stop signal (p.Thr468Argfs*63) in the MUTYH gene. While this is not anticipated to result in nonsense mediated decay, it is expected to disrupt the last 82 amino acid(s) of the MUTYH protein. This variant is not present in population databases (gnomAD no frequency). This variant has not been reported in the literature in individuals affected with MUTYH-related conditions. This variant is also known as Gln512-Phe519. ClinVar contains an entry for this variant (Variation ID: 486917). Algorithms developed to predict the effect of sequence changes on RNA splicing suggest that this variant may disrupt the consensus splice site. This variant disrupts the conserved PCNA binding motif of the MUTYH protein, which has been shown to be critical for MUTYH-PCNA binding and repair efficiency (PMID: 11092888, 26377631, 11433026, 11864576). While functional studies have not been performed to directly test the effect of this variant on MUTYH protein function, this suggests that disruption of this region of the protein is causative of disease. In summary, the currently available evidence indicates that the variant is pathogenic, but additional data are needed to prove that conclusively. Therefore, this variant has been classified as Likely Pathogenic.

GeneDx
Classification: Likely pathogenic. Last evaluated: 2024-04-18. Review status: criteria provided, single submitter. Criteria: GeneDx Variant Classification Process June 2021. Collection method: clinical testing. Allele origin: germline. Affected: yes.
Comment: Frameshift variant predicted to result in abnormal protein length as the last 82 amino acids are replaced with 62 different amino acids, and other similar variants have been reported in HGMD; Not observed at significant frequency in large population cohorts (gnomAD); Has not been previously published as pathogenic or benign to our knowledge; This variant is associated with the following publications: (PMID: 23108399)

All of Us Research Program, National Institutes of Health
Classification: Pathogenic for Familial adenomatous polyposis 2. Last evaluated: 2023-10-02. Review status: criteria provided, single submitter. Criteria: ACMG Guidelines, 2015. Collection method: clinical testing. Allele origin: germline. Inheritance: Autosomal recessive inheritance. Observed: 1 variant allele, 1 heterozygote.
Comment: This variant changes 2 nucleotides in exon 14 of the MUTYH gene, creating a premature translation stop signal. This variant is expected to result in an absent or non-functional protein product. To our knowledge, this variant has not been reported in individuals affected with MUTYH-related disorders in the literature. This variant has not been identified in the general population by the Genome Aggregation Database (gnomAD). Loss of MUTYH function is a known mechanism of disease. Based on the available evidence, this variant is classified as Pathogenic.

This study involves interpretation of variants in research participants for the purpose of population health screening. Participant phenotype was not available at the time of variant classification. Additional details can be found in publication PMID: 35346344, PMCID: PMC8962531

Color Diagnostics, LLC DBA Color Health
Classification: Pathogenic for Hereditary cancer-predisposing syndrome. Last evaluated: 2023-09-01. Review status: criteria provided, single submitter. Criteria: ACMG Guidelines, 2015. Collection method: clinical testing. Allele origin: germline.
Comment: This variant changes 2 nucleotides in exon 14 of the MUTYH gene, creating a premature translation stop signal. This variant is expected to result in an absent or non-functional protein product. To our knowledge, this variant has not been reported in individuals affected with MUTYH-related disorders in the literature. This variant has not been identified in the general population by the Genome Aggregation Database (gnomAD). Loss of MUTYH function is a known mechanism of disease. Based on the available evidence, this variant is classified as Pathogenic.

Baylor Genetics
Classification: Likely pathogenic for Familial adenomatous polyposis 2. Last evaluated: 2022-10-11. Review status: criteria provided, single submitter. Criteria: ACMG Guidelines, 2015. Collection method: clinical testing. Allele origin: unknown.

Ambry Genetics
Classification: Pathogenic for Hereditary cancer-predisposing syndrome. Last evaluated: 2022-09-08. Review status: criteria provided, single submitter. Criteria: Ambry Variant Classification Scheme 2023. Collection method: clinical testing. Allele origin: germline.
Comment: The c.1402_1403delAC pathogenic mutation, located in coding exon 14 of the MUTYH gene, results from a deletion of two nucleotides at nucleotide positions 1402 to 1403, causing a translational frameshift with a predicted alternate stop codon (p.T468Rfs*63). This truncating mutation was seen twice in conjunction with a second MUTYH pathogenic mutation (phase unknown) in two individuals with features of MUTYH-associated polyposis (MAP) (Ambry internal data). This alteration is expected to result in loss of function by premature protein truncation or nonsense-mediated mRNA decay. As such, this alteration is interpreted as a disease-causing mutation.

Literature cited by the submitters: PubMed 11092888 (cited by Labcorp Genetics (formerly Invitae), Labcorp and Ambry Genetics); PubMed 26377631 (cited by Labcorp Genetics (formerly Invitae), Labcorp); PubMed 11433026 (cited by Labcorp Genetics (formerly Invitae), Labcorp); PubMed 11864576 (cited by Labcorp Genetics (formerly Invitae), Labcorp).